The following is an entry in ClinVar:

ClinVar aggregate classification (germline): Uncertain significance (1 of 4 stars; one submission).

Conditions:
Hereditary cancer-predisposing syndrome. Also called: Neoplastic Syndromes, Hereditary; Tumor predisposition; Hereditary neoplastic syndrome; Hereditary Cancer Syndrome. Identifiers: Orphanet 140162, MedGen C0027672, MeSH D009386, MONDO:0015356.

Submission:

Ambry Genetics
Classification: Uncertain significance for Hereditary cancer-predisposing syndrome. Last evaluated: 2026-07-06. Review status: criteria provided, single submitter. Criteria: Ambry Variant Classification Scheme 2023. Collection method: clinical testing. Allele origin: germline.
Comment: The p.C543S variant (also known as c.1627T>A), located in coding exon 5 of the AXIN2 gene, results from a T to A substitution at nucleotide position 1627. The cysteine at codon 543 is replaced by serine, an amino acid with dissimilar properties. This amino acid position is conserved. In addition, the in silico prediction for this alteration is inconclusive. Based on the available evidence, the clinical significance of this variant remains unclear.

NM_004655.4(AXIN2):c.1627T>A (p.Cys543Ser)

Gene: AXIN2 (axin 2; minus strand). Cytogenetic location: 17q24.1.
Variant type: single nucleotide variant.
Coding change: c.1627T>A on transcript NM_004655.4 (MANE Select); coding-DNA position 1627, T replaced by A.
Protein change: p.Cys543Ser; replaces cysteine 543 with serine.
Molecular consequence: missense variant.
Genome position (GRCh38, 1-based): chr17:65,537,409, A>T on the plus strand (T>A on the coding strand, the complement: AXIN2 is on the minus strand). VCF-style: chr17-65537409-A-T. GRCh37 (hg19) VCF-style: chr17-63533527-A-T.
Other names: c.1627T>A, p.Cys543Ser (NM_001363813.1); short protein forms C543S.
Identifiers: ClinVar variation 5032580 (VCV005032580.1).